The following is an entry in ClinVar:

ClinVar aggregate classification (germline): Uncertain significance (1 of 4 stars; one submission).

Conditions:
Hereditary cancer-predisposing syndrome. Also called: Tumor predisposition; Hereditary Cancer Syndrome; Neoplastic Syndromes, Hereditary; Hereditary neoplastic syndrome. Identifiers: Orphanet 140162, MedGen C0027672, MeSH D009386, MONDO:0015356.

Submission:

Color Diagnostics, LLC DBA Color Health
Classification: Uncertain significance for Hereditary cancer-predisposing syndrome. Last evaluated: 2025-09-16. Review status: criteria provided, single submitter. Criteria: ACMG Guidelines, 2015. Collection method: clinical testing. Allele origin: germline.
Comment: This missense variant replaces leucine with proline at codon 292 of the BRCA1 protein. Computational prediction suggests that this variant may not impact protein structure and function. To our knowledge, functional studies have not been reported for this variant. This variant has not been reported in individuals affected with BRCA1-related disorders in the literature. This variant has not been identified in the general population by the Genome Aggregation Database (gnomAD). The available evidence is insufficient to determine the role of this variant in disease conclusively. Therefore, this variant is classified as a Variant of Uncertain Significance.

NM_007294.4(BRCA1):c.875T>C (p.Leu292Pro)

Gene: BRCA1 (BRCA1 DNA repair associated; minus strand). Cytogenetic location: 17q21.31.
Variant type: single nucleotide variant.
Coding change: c.875T>C on transcript NM_007294.4 (MANE Select); coding-DNA position 875, T replaced by C.
Protein change: p.Leu292Pro; replaces leucine 292 with proline.
Molecular consequence: missense variant. On other transcripts: 5 prime UTR variant (2), intron variant (137).
Genome position (GRCh38, 1-based): chr17:43,094,656, A>G on the plus strand (T>C on the coding strand, the complement: BRCA1 is on the minus strand). VCF-style: chr17-43094656-A-G. GRCh37 (hg19) VCF-style: chr17-41246673-A-G.
Other names: c.872T>C, p.Leu291Pro (NM_001407635.1, NM_001407636.1, NM_001407637.1 and 22 more transcripts); c.875T>C, p.Leu292Pro (NM_001407639.1, NM_001407640.1, NM_001407641.1 and 30 more transcripts); c.866T>C, p.Leu289Pro (NM_001407646.1, NM_001407647.1); c.752T>C, p.Leu251Pro (NM_001407648.1, NM_001407863.1, NM_001407919.1 and 19 more transcripts); c.749T>C, p.Leu250Pro (NM_001407649.1, NM_001407940.1, NM_001407941.1 and 11 more transcripts); c.734T>C, p.Leu245Pro (NM_001407850.1, NM_001407851.1, NM_001407852.1 and 29 more transcripts); c.662T>C, p.Leu221Pro (NM_001407853.1, NM_001407894.1, NM_001407895.1 and 9 more transcripts); c.674T>C, p.Leu225Pro (NM_001407862.1); and 40 more; short protein forms L124P, L164P, L165P, L180P, L181P, L203P, L204P, L221P.
Identifiers: ClinVar variation 4756463 (VCV004756463.1).